The following is an entry in ClinVar:

NM_000092.5(COL4A4):c.192+1G>T

Gene: COL4A4 (collagen type IV alpha 4 chain; minus strand). Cytogenetic location: 2q36.3.
Variant type: single nucleotide variant.
Coding change: c.192+1G>T on transcript NM_000092.5 (MANE Select); the canonical splice donor site of the intron after coding-DNA position 192, G replaced by T.
Molecular consequence: splice donor variant.
Genome position (GRCh38, 1-based): chr2:227,140,160, C>A on the plus strand (G>T on the coding strand, the complement: COL4A4 is on the minus strand). VCF-style: chr2-227140160-C-A. GRCh37 (hg19) VCF-style: chr2-228004876-C-A.
Identifiers: ClinVar variation 1483258 (VCV001483258.8), dbSNP rs2125291407, ClinGen allele CA350866157.

ClinVar aggregate classification (germline): Likely pathogenic (1 of 4 stars; one submission).

Submission:

Labcorp Genetics (formerly Invitae), Labcorp
Classification: Likely pathogenic. Last evaluated: 2020-11-27. Review status: criteria provided, single submitter. Criteria: Invitae Variant Classification Sherloc (09022015). Collection method: clinical testing. Allele origin: germline.
Comment: Algorithms developed to predict the effect of sequence changes on RNA splicing suggest that this variant may disrupt the consensus splice site, but this prediction has not been confirmed by published transcriptional studies. This variant has not been reported in the literature in individuals with COL4A4-related conditions. This variant is not present in population databases (ExAC no frequency). This sequence change affects a donor splice site in intron 4 of the COL4A4 gene. It is expected to disrupt RNA splicing. Variants that disrupt the donor or acceptor splice site typically lead to a loss of protein function (PMID: 16199547), and loss-of-function variants in COL4A4 are known to be pathogenic (PMID: 21196518, 24854265, 25307543). In summary, the currently available evidence indicates that the variant is pathogenic, but additional data are needed to prove that conclusively. Therefore, this variant has been classified as Likely Pathogenic.

Literature cited by the submitters: PubMed 16199547; PubMed 21196518; PubMed 24854265; PubMed 25307543.